The following is an entry in ClinVar:

NM_001161352.2(KCNMA1):c.36CGG[10] (p.Gly18_Gly20dup)

Gene: KCNMA1 (potassium calcium-activated channel subfamily M alpha 1; minus strand). Cytogenetic location: 10q22.3.
Variant type: Microsatellite.
Coding change: c.36CGG[10] on transcript NM_001161352.2 (MANE Select); ten copies in a row of the 3-base unit CGG starting at c.36; the reference has seven copies in a row; three copies, 9 bases duplicated; also written c.48_56dup.
Protein change: p.Gly18_Gly20dup.
Molecular consequence: inframe insertion.
Genome position (GRCh38, 1-based): chr10:77,637,587-77,637,595, CCGCCGCCG duplicated on the plus strand (CGGCGGCGG on the coding strand, the reverse complement: KCNMA1 is on the minus strand); duplicating any 9 consecutive bases within chr10:77,637,587-77,637,608 gives the same sequence; the position shown is the placement nearest the transcript's 3' end. VCF-style (leftmost placement, unchanged base first): chr10-77637586-T-TCCGCCGCCG. GRCh37 (hg19) VCF-style: chr10-79397344-T-TCCGCCGCCG.
Other names: c.48_56dup (NM_001161352.2); c.48_56dupCGGCGGCGG (NM_001161352.2); c.36CGG[10], p.Gly18_Gly20dup (NM_001014797.3, NM_001161353.2, NM_001271518.2 and 12 more transcripts).
Identifiers: ClinVar variation 841161 (VCV000841161.52), dbSNP rs760628050, ClinGen allele CA594712749.

ClinVar aggregate classification (germline): Conflicting classifications of pathogenicity. Review status: criteria provided, conflicting classifications (1 of 4 stars). 5 submissions from 5 submitters: Uncertain significance (4); Likely benign (1). Last evaluated 2025-11-04.

Conditions:
Generalized epilepsy-paroxysmal dyskinesia syndrome (PNKD3). Also called: Generalized epilepsy and paroxysmal dyskinesia; Paroxysmal nonkinesigenic dyskinesia, 3, with or without generalized epilepsy. Identifiers: Orphanet 79137, MedGen C5574945, MONDO:0012276, OMIM 609446.

Submissions (5):

Labcorp Genetics (formerly Invitae), Labcorp
Classification: Uncertain significance for Generalized epilepsy-paroxysmal dyskinesia syndrome. Last evaluated: 2025-11-04. Review status: criteria provided, single submitter. Criteria: Invitae Variant Classification Sherloc (09022015). Collection method: clinical testing. Allele origin: germline.
Comment: This variant, c.48_56dup, results in the insertion of 3 amino acid(s) of the KCNMA1 protein (p.Gly18_Gly20dup), but otherwise preserves the integrity of the reading frame. The frequency data for this variant in the population databases is considered unreliable, as metrics indicate poor data quality at this position in the gnomAD database. This variant has not been reported in the literature in individuals affected with KCNMA1-related conditions. ClinVar contains an entry for this variant (Variation ID: 841161). Experimental studies and prediction algorithms are not available or were not evaluated, and the functional significance of this variant is currently unknown. In summary, the available evidence is currently insufficient to determine the role of this variant in disease. Therefore, it has been classified as a Variant of Uncertain Significance.

Women's Health and Genetics/Laboratory Corporation of America, LabCorp
Classification: Uncertain significance. Last evaluated: 2024-04-09. Review status: criteria provided, single submitter. Criteria: LabCorp Variant Classification Summary - May 2015. Collection method: clinical testing. Allele origin: germline.
Comment: Variant summary: KCNMA1 c.48_56dupCGGCGGCGG (p.Gly18_Gly20dup) results in an in-frame duplication that is predicted to duplicate 3 amino acids into the encoded protein. The variant was absent in 114424 control chromosomes (gnomAD). The available data on variant occurrences in the general population are insufficient to allow any conclusion about variant significance. To our knowledge, no occurrence of c.48_56dupCGGCGGCGG in individuals affected with Paroxysmal Nonkinesigenic Dyskinesia, 3, With Or Without Generalized Epilepsy and no experimental evidence demonstrating its impact on protein function have been reported. ClinVar contains an entry for this variant (Variation ID: 841161). Based on the evidence outlined above, the variant was classified as uncertain significance.

GeneDx
Classification: Uncertain significance. Last evaluated: 2022-04-21. Review status: criteria provided, single submitter. Criteria: GeneDx Variant Classification Process June 2021. Collection method: clinical testing. Allele origin: germline. Affected: yes.
Comment: Has not been previously published as pathogenic or benign to our knowledge; In-frame insertion of 3 amino acids in a repetitive region with no known function

CeGaT Center for Human Genetics Tuebingen
Classification: Likely benign. Last evaluated: 2020-03-01. Review status: criteria provided, single submitter. Criteria: CeGaT Center For Human Genetics Tuebingen Variant Classification Criteria Version 2. Collection method: clinical testing. Allele origin: germline. Affected: yes. Observed: 1 variant allele.

Centre for Mendelian Genomics, University Medical Centre Ljubljana
Classification: Uncertain significance for Generalized epilepsy-paroxysmal dyskinesia syndrome. Last evaluated: 2018-12-06. Review status: criteria provided, single submitter. Criteria: ACMG Guidelines, 2015. Collection method: clinical testing. Allele origin: unknown. Affected: yes.
Comment: This variant was classified as: Uncertain significance. The available evidence on this variant's pathogenicity is insufficient or conflicting. The following ACMG criteria were applied in classifying this variant: No criteria apply.